The following is an entry in ClinVar:

ClinVar aggregate classification (germline): Uncertain significance (1 of 4 stars; one submission).

Conditions:
Intellectual developmental disorder, X-linked, syndromic, Hedera type. Also called: Syndromic X-linked intellectual disability Hedera type. Identifiers: Orphanet 93952, MedGen C1845543, MONDO:0010319, OMIM 300423.

Submission:

Labcorp Genetics (formerly Invitae), Labcorp
Classification: Uncertain significance for Intellectual developmental disorder, X-linked, syndromic, Hedera type. Last evaluated: 2022-03-10. Review status: criteria provided, single submitter. Criteria: Invitae Variant Classification Sherloc (09022015). Collection method: clinical testing. Allele origin: germline.
Comment: In summary, the available evidence is currently insufficient to determine the role of this variant in disease. Therefore, it has been classified as a Variant of Uncertain Significance. This variant has not been reported in the literature in individuals affected with ATP6AP2-related conditions. This variant results in a copy number gain of the genomic region encompassing exon(s) 9 of the ATP6AP2 gene. This region includes the termination codon of the gene. This copy number gain extends beyond the assayed region for this gene and therefore may encompass additional genes. As the precise location of this event is unknown, it may be in tandem or it may be located elsewhere in the genome.

NC_000023.10:g.(?_40464793)_(40465007_?)dup

Gene: ATP6AP2 (ATPase H+ transporting accessory protein 2; plus strand). Cytogenetic location: Xp11.4.
Variant type: Duplication.
Identifiers: ClinVar variation 2425418 (VCV002425418.3).